The following is an entry in ClinVar:

NM_014806.5(RUSC2):c.1018C>G (p.Pro340Ala)

Gene: RUSC2 (RUN and SH3 domain containing 2; plus strand). Cytogenetic location: 9p13.3.
Variant type: single nucleotide variant.
Coding change: c.1018C>G on transcript NM_014806.5 (MANE Select); coding-DNA position 1018, C replaced by G.
Protein change: p.Pro340Ala; replaces proline 340 with alanine.
Molecular consequence: missense variant. On other transcripts: non-coding transcript variant (1), intron variant (1).
Genome position (GRCh38, 1-based): chr9:35,547,539, C>G. VCF-style: chr9-35547539-C-G. GRCh37 (hg19) VCF-style: chr9-35547536-C-G.
Other names: c.1018C>G, p.Pro340Ala (NM_001135999.2); c.-620-7521C>G (NM_001330740.2); short protein forms P340A.
Identifiers: ClinVar variation 1440554 (VCV001440554.8), dbSNP rs2132553131, ClinGen allele CA373330264.

ClinVar aggregate classification (germline): Uncertain significance (1 of 4 stars; one submission).

Submission:

Labcorp Genetics (formerly Invitae), Labcorp
Classification: Uncertain significance. Last evaluated: 2021-04-02. Review status: criteria provided, single submitter. Criteria: Invitae Variant Classification Sherloc (09022015). Collection method: clinical testing. Allele origin: germline.
Comment: Algorithms developed to predict the effect of missense changes on protein structure and function (SIFT, PolyPhen-2, Align-GVGD) all suggest that this variant is likely to be tolerated, but these predictions have not been confirmed by published functional studies and their clinical significance is uncertain. In summary, the available evidence is currently insufficient to determine the role of this variant in disease. Therefore, it has been classified as a Variant of Uncertain Significance. This variant has not been reported in the literature in individuals with RUSC2-related conditions. This variant is not present in population databases (ExAC no frequency). This sequence change replaces proline with alanine at codon 340 of the RUSC2 protein (p.Pro340Ala). The proline residue is moderately conserved and there is a small physicochemical difference between proline and alanine.